The following is an entry in ClinVar:

NM_001267550.2(TTN):c.95843T>C (p.Met31948Thr)

Genes: TTN (titin; minus strand), TTN-AS1 (TTN antisense RNA 1; plus strand). Cytogenetic location: 2q31.2.
Variant type: single nucleotide variant.
Coding change: c.95843T>C on transcript NM_001267550.2 (MANE Select); coding-DNA position 95843, T replaced by C.
Protein change: p.Met31948Thr; replaces methionine 31948 with threonine.
Molecular consequence: missense variant.
Genome position (GRCh38, 1-based): chr2:178,544,386, A>G on the plus strand (T>C on the coding strand, the complement: TTN is on the minus strand). VCF-style: chr2-178544386-A-G. GRCh37 (hg19) VCF-style: chr2-179409113-A-G.
Other names: c.90920T>C, p.Met30307Thr (NM_001256850.1); c.68648T>C, p.Met22883Thr (NM_003319.4); c.88139T>C, p.Met29380Thr (NM_133378.4); c.69023T>C, p.Met23008Thr (NM_133432.3); c.69224T>C, p.Met23075Thr (NM_133437.4); short protein forms M22883T, M23008T, M23075T, M29380T, M30307T, M31948T.
Identifiers: ClinVar variation 1190435 (VCV001190435.6), dbSNP rs377603482, ClinGen allele CA1986865.

ClinVar aggregate classification (germline): Conflicting classifications of pathogenicity. Review status: criteria provided, conflicting classifications (1 of 4 stars). 4 submissions from 4 submitters: Uncertain significance (2); Likely benign (2). Last evaluated 2026-06-26.

Conditions:
Cardiovascular phenotype. Identifiers: MedGen CN230736.
TTN-related disorder. Also called: TTN-related disorders; TTN-related condition; TTN-related disease.

Allele frequency attached by ClinVar (database versions not stated): gnomAD exomes 0.00001 and 0.00002; ExAC 0.00003; gnomAD 0.00006; ESP Exome Variant Server 0.00008; TOPMed 0.00010.
gnomAD v4.1: 28 of 1,613,616 alleles (0.0017%); highest among the groups gnomAD compares: African/African-American, 0.035%; no homozygotes.

Submissions (4):

PreventionGenetics, part of Exact Sciences
Classification: Uncertain significance for TTN-related condition. Last evaluated: 2026-06-26. Review status: criteria provided, single submitter. Criteria: ACMG Guidelines, 2015. Collection method: clinical testing. Allele origin: germline.
Comment: The TTN c.95843T>C variant is predicted to result in the amino acid substitution p.Met31948Thr. To our knowledge, this variant has not been reported in the literature. This variant is reported in 0.041% of alleles in individuals of African descent in gnomAD. At this time, the clinical significance of this variant is uncertain due to the absence of conclusive functional and genetic evidence.

Revvity Omics, Revvity
Classification: Uncertain significance. Last evaluated: 2024-11-27. Review status: criteria provided, single submitter. Criteria: ACMG Guidelines, 2015. Collection method: clinical testing. Allele origin: germline.

GeneDx
Classification: Likely benign. Last evaluated: 2020-01-17. Review status: criteria provided, single submitter. Criteria: GeneDx Variant Classification Process June 2021. Collection method: clinical testing. Allele origin: germline. Affected: yes.

Ambry Genetics
Classification: Likely benign for Cardiovascular phenotype. Last evaluated: 2019-07-10. Review status: criteria provided, single submitter. Criteria: Ambry Variant Classification Scheme 2023. Collection method: clinical testing. Allele origin: germline.